The following is an entry in ClinVar:

ClinVar aggregate classification (germline): Uncertain significance (1 of 4 stars; one submission).

Conditions:
Primary immunodeficiency with post-measles-mumps-rubella vaccine viral infection. Also called: Immunodeficiency 44. Identifiers: Orphanet 431166, MedGen C4225260, MONDO:0014715, OMIM 616636.

Submission:

Labcorp Genetics (formerly Invitae), Labcorp
Classification: Uncertain significance for Primary immunodeficiency with post-measles-mumps-rubella vaccine viral infection. Last evaluated: 2024-12-24. Review status: criteria provided, single submitter. Criteria: Invitae Variant Classification Sherloc (09022015). Collection method: clinical testing. Allele origin: germline.
Comment: This sequence change affects codon 495 of the STAT2 mRNA. It is a 'silent' change, meaning that it does not change the encoded amino acid sequence of the STAT2 protein. This variant is not present in population databases (gnomAD no frequency). This variant has not been reported in the literature in individuals affected with STAT2-related conditions. Algorithms developed to predict the effect of sequence changes on RNA splicing suggest that this variant may create or strengthen a splice site. In summary, the available evidence is currently insufficient to determine the role of this variant in disease. Therefore, it has been classified as a Variant of Uncertain Significance.

NM_005419.4(STAT2):c.1485G>A (p.Leu495=)

Gene: STAT2 (signal transducer and activator of transcription 2; minus strand). Cytogenetic location: 12q13.3.
Variant type: single nucleotide variant.
Coding change: c.1485G>A on transcript NM_005419.4 (MANE Select); coding-DNA position 1485, G replaced by A.
Protein change: p.Leu495=; no amino-acid change (leucine 495 retained).
Molecular consequence: synonymous variant.
Genome position (GRCh38, 1-based): chr12:56,349,015, C>T on the plus strand (G>A on the coding strand, the complement: STAT2 is on the minus strand). VCF-style: chr12-56349015-C-T. GRCh37 (hg19) VCF-style: chr12-56742799-C-T.
Other names: c.1452G>A, p.Leu484= (NM_001385110.1); c.1386G>A, p.Leu462= (NM_001385111.1); c.1485G>A, p.Leu495= (NM_001385113.1); c.1464G>A, p.Leu488= (NM_001385114.1); c.1443G>A, p.Leu481= (NM_001385115.1); c.1473G>A, p.Leu491= (NM_198332.2).
Identifiers: ClinVar variation 3647485 (VCV003647485.2).
Genomic context (GRCh38, chr12:56,349,015, plus strand): 5'-GTCTGAGTTGAGGCCTCGGCCAACATAGGAGGAGAACTGCCAACTGAGAGCAGGGCCCAG[C>T]AAGCTCCAGGGGGCCTTGGGGGGGTTGGAGAAGAACTGCTGGTTCTGCAGGGGTGGGAGC-3'
Protein context (NP_005410.1, residues 485-505): FSNPPKAPWS[Leu495=]LGPALSWQFS